The following is an entry in ClinVar:

NM_002335.4(LRP5):c.1134C>T (p.Ile378=)

Gene: LRP5 (LDL receptor related protein 5; plus strand). Cytogenetic location: 11q13.2.
Variant type: single nucleotide variant.
Coding change: c.1134C>T on transcript NM_002335.4 (MANE Select); coding-DNA position 1134, C replaced by T.
Protein change: p.Ile378=; no amino-acid change (isoleucine 378 retained).
Molecular consequence: synonymous variant. On other transcripts: 5 prime UTR variant (1).
Genome position (GRCh38, 1-based): chr11:68,386,434, C>T. VCF-style: chr11-68386434-C-T. GRCh37 (hg19) VCF-style: chr11-68153902-C-T.
Other names: c.-632C>T (NM_001291902.2).
Identifiers: ClinVar variation 797771 (VCV000797771.18), dbSNP rs139130382, ClinGen allele CA6149258.

ClinVar aggregate classification (germline): Likely benign. Review status: criteria provided, multiple submitters, no conflicts (2 of 4 stars). 5 submissions from 5 submitters: Likely benign (5). Last evaluated 2026-09-15.

Conditions:
Autosomal dominant osteopetrosis 1 (OPTA1). Also called: OSTEOPETROSIS, AUTOSOMAL DOMINANT, TYPE I. Identifiers: Orphanet 2783, MedGen C1843330, MONDO:0011877, OMIM 607634.
Exudative vitreoretinopathy 1 (EVR1). Also called: CRISWICK-SCHEPENS SYNDROME; FEVR, AUTOSOMAL DOMINANT; Familial exudative vitreoretinopathy, autosomal dominant. Identifiers: Orphanet 891, Orphanet 90050, MedGen C1851402, MONDO:0007589, OMIM 133780.
Bone mineral density quantitative trait locus 1 (BMND1). Identifiers: MedGen C1866079, OMIM 601884.
Polycystic liver disease 4 with or without kidney cysts. Identifiers: MedGen C4693479, MONDO:0044327, OMIM 617875.
Worth disease. Also called: ENDOSTEAL HYPEROSTOSIS, AUTOSOMAL DOMINANT; OSTEOSCLEROSIS, AUTOSOMAL DOMINANT; Autosomal dominant osteosclerosis, Worth type. Identifiers: Orphanet 2790, MedGen C0432273, MONDO:0007764, OMIM 144750.
Exudative vitreoretinopathy 4 (EVR4). Identifiers: Orphanet 891, MedGen C1866176, MONDO:0011151, OMIM 601813.
Osteoporosis. Identifiers: MedGen C0029456, MONDO:0005298, OMIM 166710, HP:0000939.
Osteoporosis with pseudoglioma (OPPG). Also called: osteoporosis-pseudoglioma syndrome. Identifiers: Orphanet 2788, MedGen C0432252, MONDO:0009820, OMIM 259770.
LRP5-related disorder. Also called: LRP5-related condition.

Allele frequency attached by ClinVar (database versions not stated): gnomAD exomes 0.00002 and 0.00006; ExAC 0.00007; TOPMed 0.00019; gnomAD 0.00021; ESP Exome Variant Server 0.00031; 1000 Genomes Project 0.00040; 1000 Genomes Project 30x 0.00047.
gnomAD v4.1: 63 of 1,614,118 alleles (0.0039%); highest among the groups gnomAD compares: African/African-American, 0.055%; no homozygotes.

Submissions (5):

PreventionGenetics, part of Exact Sciences
Classification: Likely benign for LRP5-related condition. Last evaluated: 2026-09-15. Review status: criteria provided, single submitter. Criteria: ACMG Guidelines, 2015. Collection method: clinical testing. Allele origin: germline.
Comment: This variant is classified as likely benign based on ACMG/AMP sequence variant interpretation guidelines (Richards et al. 2015 PMID: 25741868, with internal and published modifications).

Labcorp Genetics (formerly Invitae), Labcorp
Classification: Likely benign. Last evaluated: 2025-06-12. Review status: criteria provided, single submitter. Criteria: Invitae Variant Classification Sherloc (09022015). Collection method: clinical testing. Allele origin: germline.

Blueprint Genetics
Classification: Likely benign. Last evaluated: 2024-08-20. Review status: criteria provided, single submitter. Criteria: ACMG Guidelines, 2015. Collection method: clinical testing. Allele origin: germline.

Fulgent Genetics
Classification: Likely benign for Exudative vitreoretinopathy 1; Worth disease; Osteoporosis; Osteoporosis with pseudoglioma; Exudative vitreoretinopathy 4; Bone mineral density quantitative trait locus 1; Autosomal dominant osteopetrosis 1; Polycystic liver disease 4 with or without kidney cysts. Last evaluated: 2021-12-14. Review status: criteria provided, single submitter. Criteria: ACMG Guidelines, 2015. Collection method: clinical testing. Allele origin: unknown.

Genetic Services Laboratory, University of Chicago
Classification: Likely benign. Last evaluated: 2021-06-28. Review status: criteria provided, single submitter. Criteria: ACMG Guidelines, 2015. Collection method: clinical testing. Allele origin: germline. Affected: no.